The following is an entry in ClinVar:

ClinVar aggregate classification (germline): Conflicting classifications of pathogenicity. Review status: criteria provided, conflicting classifications (1 of 4 stars). 3 submissions from 3 submitters: Likely pathogenic (1); Uncertain significance (2). Last evaluated 2026-03-27.

Conditions:
Retinitis pigmentosa 25 (RP25). Identifiers: Orphanet 791, MedGen C1864446, MONDO:0011272, OMIM 602772.

Submissions (3):

Myriad Genetics, Inc.
Classification: Uncertain significance for Retinitis pigmentosa 25. Last evaluated: 2026-03-27. Review status: criteria provided, single submitter. Criteria: Myriad Autosomal Dominant, Autosomal Recessive and X-Linked Classification Criteria (2023). Collection method: clinical testing. Allele origin: unknown.
Comment: NM_001142800.1(EYS):c.2041G>T(D681Y) is a missense variant classified as a variant of uncertain significance in the context of retinitis pigmentosa, EYS-related. D681Y has been observed in cases with relevant disease (PMID: 29159838, 3651702). Relevant functional assessments of this variant are not available in the literature. D681Y has not been observed in referenced population frequency databases. In summary, there is insufficient evidence to classify NM_001142800.1(EYS):c.2041G>T(D681Y) as pathogenic or benign. Please note: this variant was assessed in the context of healthy population screening.

Siriraj Ophthalmic Genetics Research, Faculty of Medicine Siriraj Hospital, Mahidol University
Classification: Likely pathogenic for Retinitis pigmentosa 25. Last evaluated: 2022-05-01. Review status: criteria provided, single submitter. Criteria: ACMG Guidelines, 2015. Collection method: research. Allele origin: germline. Affected: yes. Observed: 1 compound heterozygote.

Blueprint Genetics
Classification: Uncertain significance. Last evaluated: 2020-12-04. Review status: criteria provided, single submitter. Criteria: ACMG Guidelines, 2015. Collection method: clinical testing. Allele origin: germline.

Literature cited by the submitters: PubMed 29159838 (cited by Myriad Genetics, Inc.); PubMed 3651702 (cited by Myriad Genetics, Inc.).

NM_001142800.2(EYS):c.2041G>T (p.Asp681Tyr)

Gene: EYS (EGF-like photoreceptor maintenance factor; minus strand). Cytogenetic location: 6q12.
Variant type: single nucleotide variant.
Coding change: c.2041G>T on transcript NM_001142800.2 (MANE Select); coding-DNA position 2041, G replaced by T.
Protein change: p.Asp681Tyr; replaces aspartic acid 681 with tyrosine.
Molecular consequence: missense variant.
Genome position (GRCh38, 1-based): chr6:65,057,710, C>A on the plus strand (G>T on the coding strand, the complement: EYS is on the minus strand). VCF-style: chr6-65057710-C-A. GRCh37 (hg19) VCF-style: chr6-65767603-C-A.
Other names: c.2041G>T, p.Asp681Tyr (NM_001292009.2); short protein forms D681Y.
Identifiers: ClinVar variation 1799510 (VCV001799510.3), dbSNP rs2533709786, ClinGen allele CA364787737.